The following is an entry in ClinVar:

NM_000350.3(ABCA4):c.4396G>T (p.Val1466Leu)

Gene: ABCA4 (ATP binding cassette subfamily A member 4; minus strand). Cytogenetic location: 1p22.1.
Variant type: single nucleotide variant.
Coding change: c.4396G>T on transcript NM_000350.3 (MANE Select); coding-DNA position 4396, G replaced by T.
Protein change: p.Val1466Leu; replaces valine 1466 with leucine.
Molecular consequence: missense variant.
Genome position (GRCh38, 1-based): chr1:94,029,588, C>A on the plus strand (G>T on the coding strand, the complement: ABCA4 is on the minus strand). VCF-style: chr1-94029588-C-A. GRCh37 (hg19) VCF-style: chr1-94495144-C-A.
Other names: c.4174G>T, p.Val1392Leu (NM_001425324.1); short protein forms V1466L, V1392L.
Identifiers: ClinVar variation 2084446 (VCV002084446.3), dbSNP rs1315143020, ClinGen allele CA341285221.

ClinVar aggregate classification (germline): Uncertain significance. Review status: criteria provided, multiple submitters, no conflicts (2 of 4 stars). 2 submissions from 2 submitters: Uncertain significance (2). Last evaluated 2024-05-17.

Allele frequency attached by ClinVar (database versions not stated): TOPMed below 0.00001; gnomAD 0.00001.
gnomAD v4.1: 1 of 1,613,932 alleles (0.000062%); highest among the groups gnomAD compares: Admixed American, 0.0017%; no homozygotes.

Submissions (2):

Blueprint Genetics
Classification: Uncertain significance. Last evaluated: 2024-05-17. Review status: criteria provided, single submitter. Criteria: ACMG Guidelines, 2015. Collection method: clinical testing. Allele origin: germline.

Labcorp Genetics (formerly Invitae), Labcorp
Classification: Uncertain significance. Last evaluated: 2022-11-15. Review status: criteria provided, single submitter. Criteria: Invitae Variant Classification Sherloc (09022015). Collection method: clinical testing. Allele origin: germline.
Comment: In summary, the available evidence is currently insufficient to determine the role of this variant in disease. Therefore, it has been classified as a Variant of Uncertain Significance. Advanced modeling of protein sequence and biophysical properties (such as structural, functional, and spatial information, amino acid conservation, physicochemical variation, residue mobility, and thermodynamic stability) performed at Invitae indicates that this missense variant is not expected to disrupt ABCA4 protein function. This variant has not been reported in the literature in individuals affected with ABCA4-related conditions. This variant is not present in population databases (gnomAD no frequency). This sequence change replaces valine, which is neutral and non-polar, with leucine, which is neutral and non-polar, at codon 1466 of the ABCA4 protein (p.Val1466Leu).